The following is an entry in ClinVar:

NM_022464.5(SIL1):c.1164G>A (p.Leu388=)

Gene: SIL1 (SIL1 nucleotide exchange factor; minus strand). Cytogenetic location: 5q31.2.
Variant type: single nucleotide variant.
Coding change: c.1164G>A on transcript NM_022464.5 (MANE Select); coding-DNA position 1164, G replaced by A.
Protein change: p.Leu388=; no amino-acid change (leucine 388 retained).
Molecular consequence: synonymous variant.
Genome position (GRCh38, 1-based): chr5:138,947,339, C>T on the plus strand (G>A on the coding strand, the complement: SIL1 is on the minus strand). VCF-style: chr5-138947339-C-T. GRCh37 (hg19) VCF-style: chr5-138283028-C-T.
Other names: c.1164G>A, p.Leu388= (NM_001037633.2).
Identifiers: ClinVar variation 513887 (VCV000513887.1), dbSNP rs755849572, ClinGen allele CA446793606.

ClinVar aggregate classification (germline): Likely benign (1 of 4 stars; one submission).

gnomAD v4.1: 1 of 1,613,634 alleles (0.000062%); highest among the groups gnomAD compares: Non-Finnish European, 0.000085%; no homozygotes.

Submission:

GeneDx
Classification: Likely benign. Last evaluated: 2017-12-13. Review status: criteria provided, single submitter. Criteria: GeneDx Variant Classification (06012015). Collection method: clinical testing. Allele origin: germline. Affected: yes.
Comment: This variant is considered likely benign or benign based on one or more of the following criteria: it is a conservative change, it occurs at a poorly conserved position in the protein, it is predicted to be benign by multiple in silico algorithms, and/or has population frequency not consistent with disease.